The following is an entry in ClinVar:

NM_152703.5(SAMD9L):c.964T>C (p.Tyr322His)

Gene: SAMD9L (sterile alpha motif domain containing 9 like; minus strand). Cytogenetic location: 7q21.2.
Variant type: single nucleotide variant.
Coding change: c.964T>C on transcript NM_152703.5 (MANE Select); coding-DNA position 964, T replaced by C.
Protein change: p.Tyr322His; replaces tyrosine 322 with histidine.
Molecular consequence: missense variant.
Genome position (GRCh38, 1-based): chr7:93,135,008, A>G on the plus strand (T>C on the coding strand, the complement: SAMD9L is on the minus strand). VCF-style: chr7-93135008-A-G. GRCh37 (hg19) VCF-style: chr7-92764321-A-G.
Other names: c.964T>C, p.Tyr322His (NM_001303496.3, NM_001303497.3, NM_001303498.3 and 5 more transcripts); c.964T>C (NM_152703.2); short protein forms Y322H.
Identifiers: ClinVar variation 1927774 (VCV001927774.6), dbSNP rs1792357951, ClinGen allele CA368199632.

ClinVar aggregate classification (germline): Uncertain significance. Review status: criteria provided, multiple submitters, no conflicts (2 of 4 stars). 2 submissions from 2 submitters: Uncertain significance (2). Last evaluated 2024-11-21.

Conditions:
Inborn genetic diseases. Identifiers: MedGen C0950123, MeSH D030342.

Allele frequency attached by ClinVar (database versions not stated): gnomAD exomes below 0.00001.
gnomAD v4.1: 4 of 1,612,996 alleles (0.00025%); highest among the groups gnomAD compares: Non-Finnish European, 0.00034%; no homozygotes.

Submissions (2):

Ambry Genetics
Classification: Uncertain significance for Inborn genetic diseases. Last evaluated: 2024-11-21. Review status: criteria provided, single submitter. Criteria: Ambry Variant Classification Scheme 2023. Collection method: clinical testing. Allele origin: germline.
Comment: The p.Y322H variant (also known as c.964T>C), located in coding exon 1 of the SAMD9L gene, results from a T to C substitution at nucleotide position 964. The tyrosine at codon 322 is replaced by histidine, an amino acid with similar properties. This amino acid position is conserved. In addition, this alteration is predicted to be tolerated by in silico analysis. Based on the available evidence, the clinical significance of this variant remains unclear.

Labcorp Genetics (formerly Invitae), Labcorp
Classification: Uncertain significance. Last evaluated: 2022-05-31. Review status: criteria provided, single submitter. Criteria: Invitae Variant Classification Sherloc (09022015). Collection method: clinical testing. Allele origin: germline.
Comment: This sequence change replaces tyrosine, which is neutral and polar, with histidine, which is basic and polar, at codon 322 of the SAMD9L protein (p.Tyr322His). This variant is not present in population databases (gnomAD no frequency). This variant has not been reported in the literature in individuals affected with SAMD9L-related conditions. In summary, the available evidence is currently insufficient to determine the role of this variant in disease. Therefore, it has been classified as a Variant of Uncertain Significance. Algorithms developed to predict the effect of missense changes on protein structure and function are either unavailable or do not agree on the potential impact of this missense change (SIFT: "Not Available"; PolyPhen-2: "Benign"; Align-GVGD: "Not Available").